The following is an entry in ClinVar:

ClinVar aggregate classification (germline): Uncertain significance. Review status: criteria provided, multiple submitters, no conflicts (2 of 4 stars). 2 submissions from 2 submitters: Uncertain significance (2). Last evaluated 2022-08-29.

Conditions:
Baraitser-Winter syndrome 1 (BRWS1). Also called: BARAITSER-WINTER SYNDROME 1, ATYPICAL; PACHYGYRIA, MENTAL RETARDATION, EPILEPSY, AND CHARACTERISTIC FACIES; MENTAL RETARDATION WITH EPILEPSY AND CHARACTERISTIC FACIES; Cerebrofrontofacial syndrome. Identifiers: Orphanet 2649, Orphanet 2995, MedGen C1855722, MONDO:0009470, OMIM 243310.

Allele frequency attached by ClinVar (database versions not stated): gnomAD exomes below 0.00001; ExAC 0.00001.
gnomAD v4.1: 1 of 1,614,252 alleles (0.000062%); highest among the groups gnomAD compares: Non-Finnish European, 0.000085%; no homozygotes.

Submissions (2):

Labcorp Genetics (formerly Invitae), Labcorp
Classification: Uncertain significance for Baraitser-Winter syndrome 1. Last evaluated: 2022-08-29. Review status: criteria provided, single submitter. Criteria: Invitae Variant Classification Sherloc (09022015). Collection method: clinical testing. Allele origin: germline.
Comment: In summary, the available evidence is currently insufficient to determine the role of this variant in disease. Therefore, it has been classified as a Variant of Uncertain Significance. Algorithms developed to predict the effect of missense changes on protein structure and function (SIFT, PolyPhen-2, Align-GVGD) all suggest that this variant is likely to be tolerated. This variant has not been reported in the literature in individuals affected with ACTB-related conditions. This variant is present in population databases (rs763430371, gnomAD 0.003%). This sequence change replaces threonine, which is neutral and polar, with isoleucine, which is neutral and non-polar, at codon 297 of the ACTB protein (p.Thr297Ile).

GeneDx
Classification: Uncertain significance. Last evaluated: 2021-09-02. Review status: criteria provided, single submitter. Criteria: GeneDx Variant Classification Process June 2021. Collection method: clinical testing. Allele origin: germline. Affected: yes.
Comment: Has not been previously published as pathogenic or benign to our knowledge; In silico analysis supports that this missense variant does not alter protein structure/function; Missense variants in this gene are often considered pathogenic (HGMD)

NM_001101.5(ACTB):c.890C>T (p.Thr297Ile)

Gene: ACTB (actin beta; minus strand). Cytogenetic location: 7p22.1.
Variant type: single nucleotide variant.
Coding change: c.890C>T on transcript NM_001101.5 (MANE Select); coding-DNA position 890, C replaced by T.
Protein change: p.Thr297Ile; replaces threonine 297 with isoleucine.
Molecular consequence: missense variant.
Genome position (GRCh38, 1-based): chr7:5,528,098, G>A on the plus strand (C>T on the coding strand, the complement: ACTB is on the minus strand). VCF-style: chr7-5528098-G-A. GRCh37 (hg19) VCF-style: chr7-5567729-G-A.
Other names: short protein forms T297I.
Identifiers: ClinVar variation 2191479 (VCV002191479.5), dbSNP rs763430371, ClinGen allele CA4146896.
Genomic context (GRCh38, chr7:5,528,098, plus strand): 5'-ATCTCCTTCTGCATCCTGTCGGCAATGCCAGGGTACATGGTGGTGCCGCCAGACAGCACT[G>A]TGTTGGCGTACAGGTCTTTGCGGATGTCCACGTCACACTTCATGATGGAGTTGAAGGTAG-3'
Protein context (NP_001092.1, residues 287-307): VDIRKDLYAN[Thr297Ile]VLSGGTTMYP